The following is an entry in ClinVar:

NM_001903.5(CTNNA1):c.1755A>G (p.Pro585=)

Gene: CTNNA1 (catenin alpha 1; plus strand). Cytogenetic location: 5q31.2.
Variant type: single nucleotide variant.
Coding change: c.1755A>G on transcript NM_001903.5 (MANE Select); coding-DNA position 1755, A replaced by G.
Protein change: p.Pro585=; no amino-acid change (proline 585 retained).
Molecular consequence: synonymous variant.
Genome position (GRCh38, 1-based): chr5:138,925,263, A>G. VCF-style: chr5-138925263-A-G. GRCh37 (hg19) VCF-style: chr5-138260952-A-G.
Other names: c.1755A>G, p.Pro585= (NM_001290307.3, NM_001323982.2, NM_001323983.1 and 2 more transcripts); c.1446A>G, p.Pro482= (NM_001290309.3); c.1386A>G, p.Pro462= (NM_001290310.3); c.645A>G, p.Pro215= (NM_001290312.1, NM_001323987.1, NM_001323988.1 and 17 more transcripts); c.1662A>G, p.Pro554= (NM_001323986.2); c.306A>G, p.Pro102= (NM_001324006.1, NM_001324007.1, NM_001324008.1 and 2 more transcripts); c.552A>G, p.Pro184= (NM_001324011.1); c.402A>G, p.Pro134= (NM_001324012.1, NM_001324013.1).
Identifiers: ClinVar variation 3773301 (VCV003773301.1).

ClinVar aggregate classification (germline): Benign (1 of 4 stars; one submission).

Conditions:
Hereditary diffuse gastric adenocarcinoma (HDGC). Also called: DIFFUSE GASTRIC AND LOBULAR BREAST CANCER SYNDROME. Identifiers: Orphanet 26106, MedGen C1708349, MONDO:0007648, OMIM 137215.

Submission:

Myriad Genetics, Inc.
Classification: Benign for Hereditary diffuse gastric adenocarcinoma. Last evaluated: 2024-10-14. Review status: criteria provided, single submitter. Criteria: Myriad Autosomal Dominant, Autosomal Recessive and X-Linked Classification Criteria (2023). Collection method: clinical testing. Allele origin: unknown.
Comment: This variant is considered benign. This variant is a silent/synonymous amino acid change and it is not expected to impact splicing.